The following is an entry in ClinVar:

NM_019888.3(MC3R):c.216G>A (p.Pro72=)

Gene: MC3R (melanocortin 3 receptor; plus strand). Cytogenetic location: 20q13.2.
Variant type: single nucleotide variant.
Coding change: c.216G>A on transcript NM_019888.3 (MANE Select); coding-DNA position 216, G replaced by A.
Protein change: p.Pro72=; no amino-acid change (proline 72 retained).
Molecular consequence: synonymous variant.
Genome position (GRCh38, 1-based): chr20:56,249,059, G>A. VCF-style: chr20-56249059-G-A. GRCh37 (hg19) VCF-style: chr20-54824115-G-A.
Identifiers: ClinVar variation 3356521 (VCV003356521.1).

ClinVar aggregate classification (germline): Likely benign (0 of 4 stars; one submission).

Conditions:
MC3R-related disorder. Also called: MC3R-related condition.

Submission:

PreventionGenetics, part of Exact Sciences
Classification: Likely benign for MC3R-related condition. Last evaluated: 2024-08-14. Review status: no assertion criteria provided. Collection method: clinical testing. Allele origin: germline.
Comment: This variant is classified as likely benign based on ACMG/AMP sequence variant interpretation guidelines (Richards et al. 2015 PMID: 25741868, with internal and published modifications).